The following is an entry in ClinVar:

ClinVar aggregate classification (germline): Likely benign (1 of 4 stars; one submission).

gnomAD v4.1: 2 of 1,604,332 alleles (0.00012%); highest among the groups gnomAD compares: Non-Finnish European, 0.00017%; no homozygotes.

Submission:

Women's Health and Genetics/Laboratory Corporation of America, LabCorp
Classification: Likely benign. Last evaluated: 2026-02-04. Review status: criteria provided, single submitter. Criteria: LabCorp Variant Classification Summary - May 2015. Collection method: clinical testing. Allele origin: germline.
Comment: Variant summary: PRKDC c.4591C>T (p.Leu1531Phe) results in a non-conservative amino acid change in the encoded protein sequence. Algorithms developed to predict the effect of missense changes on protein structure and function are either unavailable or do not agree on the potential impact of this missense change. The variant allele was found at a frequency of 0.00054 in 239770 control chromosomes, predominantly at a frequency of 0.0076 within the African or African-American subpopulation in the gnomAD database, including 1 homozygotes. The observed variant frequency within African or African-American control individuals in the gnomAD database exceeds the estimated maximal expected allele frequency for disease-causing variants in PRKDC. To our knowledge, no occurrence of c.4591C>T in individuals affected with PRKDC-related conditions and no experimental evidence demonstrating its impact on protein function have been reported. ClinVar contains an entry for this variant (Variation ID: 475227). Based on the evidence outlined above, the variant was classified as likely benign.

NM_006904.7(PRKDC):c.4591C>T (p.Leu1531Phe)

Gene: PRKDC (protein kinase, DNA-activated, catalytic subunit; minus strand). Cytogenetic location: 8q11.21.
Variant type: single nucleotide variant.
Coding change: c.4591C>T on transcript NM_006904.7 (MANE Select); coding-DNA position 4591, C replaced by T.
Protein change: p.Leu1531Phe; replaces leucine 1531 with phenylalanine.
Molecular consequence: missense variant.
Genome position (GRCh38, 1-based): chr8:47,886,129, G>A on the plus strand (C>T on the coding strand, the complement: PRKDC is on the minus strand). VCF-style: chr8-47886129-G-A. GRCh37 (hg19) VCF-style: chr8-48798690-G-A.
Other names: c.4591C>T, p.Leu1531Phe (NM_001081640.2); short protein forms L1531F.
Identifiers: ClinVar variation 4689765 (VCV004689765.2).